The following is an entry in ClinVar:

NM_003235.5(TG):c.3176T>C (p.Ile1059Thr)

Gene: TG (thyroglobulin; plus strand). Cytogenetic location: 8q24.22.
Variant type: single nucleotide variant.
Coding change: c.3176T>C on transcript NM_003235.5 (MANE Select); coding-DNA position 3176, T replaced by C.
Protein change: p.Ile1059Thr; replaces isoleucine 1059 with threonine.
Molecular consequence: missense variant.
Genome position (GRCh38, 1-based): chr8:132,898,205, T>C. VCF-style: chr8-132898205-T-C. GRCh37 (hg19) VCF-style: chr8-133910450-T-C.
Other names: short protein forms I1059T.
Identifiers: ClinVar variation 1319035 (VCV001319035.3), dbSNP rs1016185504, ClinGen allele CA186292426.

ClinVar aggregate classification (germline): Uncertain significance. Review status: criteria provided, multiple submitters, no conflicts (2 of 4 stars). 2 submissions from 2 submitters: Uncertain significance (2). Last evaluated 2022-03-07.

Conditions:
Iodotyrosyl coupling defect (TDH3). Also called: THYROID HORMONOGENESIS, GENETIC DEFECT IN, 3; HYPOTHYROIDISM, CONGENITAL, DUE TO DYSHORMONOGENESIS, 3. Identifiers: Orphanet 95716, MedGen C0342194, MONDO:0010135, OMIM 274700.

Allele frequency attached by ClinVar (database versions not stated): gnomAD exomes below 0.00001; gnomAD 0.00001; TOPMed 0.00002.
gnomAD v4.1: 4 of 1,605,802 alleles (0.00025%); highest among the groups gnomAD compares: Non-Finnish European, 0.00017%; no homozygotes.

Submissions (2):

Baylor Genetics
Classification: Uncertain significance for Iodotyrosyl coupling defect. Last evaluated: 2022-03-07. Review status: criteria provided, single submitter. Criteria: ACMG Guidelines, 2015. Collection method: clinical testing. Allele origin: unknown.

GeneDx
Classification: Uncertain significance. Last evaluated: 2021-02-10. Review status: criteria provided, single submitter. Criteria: GeneDx Variant Classification Process June 2021. Collection method: clinical testing. Allele origin: germline. Affected: yes.
Comment: Not observed at a significant frequency in large population cohorts (Lek et al., 2016); In silico analysis supports that this missense variant does not alter protein structure/function; Has not been previously published as pathogenic or benign to our knowledge